The following is an entry in ClinVar:

ClinVar aggregate classification (germline): Uncertain significance (1 of 4 stars; one submission).

Submission:

GeneDx
Classification: Uncertain significance. Last evaluated: 2016-10-17. Review status: criteria provided, single submitter. Criteria: GeneDx Variant Classification (06012015). Collection method: clinical testing. Allele origin: germline. Affected: yes.
Comment: This variant is denoted FANCC c.-79G>A and describes a nucleotide substitution 79 base pairs upstream of the ATG translational start site in the 5' untranslated region (UTR). This variant has not, to our knowledge, been published in the literature as pathogenic or benign. FANCC c.-79G>A occurs at a position that is conserved through mammals. FANCC c.-79G>A occurs at a position that is not covered in the NHLBI Exome Sequencing Project. This variant is predicted to decrease the natural splice donor site for intron 1 and lead to abnormal splicing. However, in the absence of RNA or functional studies, the actual effect of this variant is unknown. Based on currently available information, it is unclear whether FANCC c.-79G>A is pathogenic or benign. We consider it to be a variant of uncertain significance.

NM_000136.3(FANCC):c.-79G>A

Gene: FANCC (FA complementation group C; minus strand). Cytogenetic location: 9q22.32.
Variant type: single nucleotide variant.
Coding change: c.-79G>A on transcript NM_000136.3 (MANE Select); 79 bases upstream of the start codon, G replaced by A.
Molecular consequence: 5 prime UTR variant.
Genome position (GRCh38, 1-based): chr9:95,317,526, C>T on the plus strand (G>A on the coding strand, the complement: FANCC is on the minus strand). VCF-style: chr9-95317526-C-T. GRCh37 (hg19) VCF-style: chr9-98079808-C-T.
Other names: c.-79G>A (NM_001243744.2).
Identifiers: ClinVar variation 422501 (VCV000422501.2), dbSNP rs1064795819, ClinGen allele CA16618900.